The following is an entry in ClinVar:

NM_003597.5(KLF11):c.248C>T (p.Thr83Ile)

Gene: KLF11 (KLF transcription factor 11; plus strand). Cytogenetic location: 2p25.1.
Variant type: single nucleotide variant.
Coding change: c.248C>T on transcript NM_003597.5 (MANE Select); coding-DNA position 248, C replaced by T.
Protein change: p.Thr83Ile; replaces threonine 83 with isoleucine.
Molecular consequence: missense variant.
Genome position (GRCh38, 1-based): chr2:10,046,355, C>T. VCF-style: chr2-10046355-C-T. GRCh37 (hg19) VCF-style: chr2-10186482-C-T.
Other names: c.197C>T, p.Thr66Ile (NM_001177716.2, NM_001177718.2); short protein forms T66I, T83I.
Identifiers: ClinVar variation 2650667 (VCV002650667.24), dbSNP rs2527704759, ClinGen allele CA345800659.

ClinVar aggregate classification (germline): Uncertain significance (1 of 4 stars; one submission).

Allele frequency attached by ClinVar (database versions not stated): gnomAD exomes 0.00001.

Submission:

CeGaT Center for Human Genetics Tuebingen
Classification: Uncertain significance. Last evaluated: 2023-08-01. Review status: criteria provided, single submitter. Criteria: CeGaT Center For Human Genetics Tuebingen Variant Classification Criteria Version 2. Collection method: clinical testing. Allele origin: germline. Affected: yes. Observed: 1 variant allele.
Comment: KLF11: PM2, BP4